The following is an entry in ClinVar:

ClinVar aggregate classification (germline): Conflicting classifications of pathogenicity. Review status: criteria provided, conflicting classifications (1 of 4 stars). 7 submissions from 7 submitters: Uncertain significance (5); Likely benign (2). Last evaluated 2025-09-04.

Conditions:
Alpha thalassemia X-linked intellectual disability (ATRX) syndrome.
Inborn genetic diseases. Identifiers: MedGen C0950123, MeSH D030342.
Alpha thalassemia-X-linked intellectual disability syndrome (ATRX). Also called: ALPHA-THALASSEMIA/MENTAL RETARDATION SYNDROME, X-LINKED; ATR, NONDELETION TYPE; ATR-X syndrome; Alpha thalassemia mental retardation syndrome, nondeletion type, X-linked; XLMR hypotonic face syndrome; X-linked alpha-thalassemia-mental retardation syndrome. Identifiers: Orphanet 847, MedGen C1845055, MONDO:0010519, OMIM 301040.
Acquired hemoglobin H disease (ATMDS). Also called: Alpha-thalassemia myelodysplasia syndrome, somatic; Alpha-thalassemia myelodysplasia syndrome; Alpha-thalassemia-myelodysplastic syndrome. Identifiers: Orphanet 231401, MedGen C0585216, MONDO:0010328, OMIM 300448.
Intellectual disability-hypotonic facies syndrome, X-linked, 1 (MRXHF1). Also called: X-linked intellectual disability-hypotonic face syndrome; XLMR-HYPOTONIC FACIES SYNDROME; CHUDLEY-LOWRY SYNDROME; Chudley syndrome 1; Chudley-Lowry-Hoar syndrome; Carpenter-Waziri syndrome. Identifiers: Orphanet 73220, Orphanet 93970, Orphanet 93971, Orphanet 93972, Orphanet 93973, Orphanet 93974, Orphanet 93975, MedGen C4759781, MONDO:0010663, OMIM 309580.
Intellectual disability. Also called: Intellectual functioning disability; intellectual disabilities; Intellectual developmental disorder. Identifiers: MedGen C3714756, MeSH D008607, MONDO:0001071, HP:0001249.

Allele frequency attached by ClinVar (database versions not stated): ExAC 0.00001; gnomAD exomes 0.00001 and 0.00006; TOPMed 0.00001; gnomAD 0.00002; ESP Exome Variant Server 0.00009.
gnomAD v4.1: 61 of 1,209,351 alleles (0.005%); highest among the groups gnomAD compares: Non-Finnish European, 0.0068%; no homozygotes.

Submissions (7):

Women's Health and Genetics/Laboratory Corporation of America, LabCorp
Classification: Uncertain significance. Last evaluated: 2025-09-04. Review status: criteria provided, single submitter. Criteria: LabCorp Variant Classification Summary - May 2015. Collection method: clinical testing. Allele origin: germline.
Comment: Variant summary: ATRX c.2815G>C (p.Val939Leu) results in a conservative amino acid change in the encoded protein sequence. Algorithms developed to predict the effect of missense changes on protein structure and function all suggest that this variant is likely to be tolerated. The variant allele was found at a frequency of 5.5e-06 in 182725 control chromosomes. The available data on variant occurrences in the general population are insufficient to allow any conclusion about variant significance. To our knowledge, no occurrence of c.2815G>C in individuals affected with ATRX-related conditions and no experimental evidence demonstrating its impact on protein function have been reported. ClinVar contains an entry for this variant (Variation ID: 1005131). Based on the evidence outlined above, the variant was classified as uncertain significance.

Labcorp Genetics (formerly Invitae), Labcorp
Classification: Likely benign for Alpha thalassemia-X-linked intellectual disability syndrome. Last evaluated: 2024-10-22. Review status: criteria provided, single submitter. Criteria: Invitae Variant Classification Sherloc (09022015). Collection method: clinical testing. Allele origin: germline.

Ambry Genetics
Classification: Uncertain significance for Inborn genetic diseases. Last evaluated: 2023-06-07. Review status: criteria provided, single submitter. Criteria: Ambry Variant Classification Scheme 2023. Collection method: clinical testing. Allele origin: germline.

Illumina Laboratory Services, Illumina
Classification: Uncertain significance for Alpha thalassemia X-linked intellectual disability (ATRX) syndrome. Last evaluated: 2022-03-23. Review status: criteria provided, single submitter. Criteria: ICSLVariantClassificationCriteria RUGD 01 April 2020. Collection method: clinical testing. Allele origin: unknown.
Comment: The ATRX c.2815G>C (p.Val939Leu) missense variant results in the substitution of valine at amino acid position 939 with leucine. To our knowledge, this variant has not been reported in the peer-reviewed literature. This variant is reported in the Genome Aggregation Database in one allele at a frequency of 0.000012 in the European non Finnish (version 3.1.2). Based on the available evidence, the c.2815G>C (p.Val939Leu) variant is classified as a variant of uncertain significance for alpha thalassemia X-linked intellectual disability (ATR-X) syndrome.

Revvity Omics, Revvity
Classification: Uncertain significance. Last evaluated: 2021-01-09. Review status: criteria provided, single submitter. Criteria: ACMG Guidelines, 2015. Collection method: clinical testing. Allele origin: germline.

GeneDx
Classification: Uncertain significance. Last evaluated: 2020-07-01. Review status: criteria provided, single submitter. Criteria: GeneDx Variant Classification Process June 2021. Collection method: clinical testing. Allele origin: germline. Affected: yes.
Comment: Not observed at a significant frequency in large population cohorts (Lek et al., 2016); In silico analysis supports that this missense variant does not alter protein structure/function; Has not been previously published as pathogenic or benign to our knowledge

Cambridge Genomics Laboratory, East Genomic Laboratory Hub, NHS Genomic Medicine Service
Classification: Likely benign for Intellectual disability. Last evaluated: 2019-05-16. Review status: criteria provided, single submitter. Criteria: ACGS Best Practice Guidelines for Variant Classification in Rare Disease 2020. Collection method: clinical testing. Allele origin: germline. Affected: yes. Observed: 1 variant allele.

NM_000489.6(ATRX):c.2815G>C (p.Val939Leu)

Gene: ATRX (ATRX chromatin remodeler; minus strand). Cytogenetic location: Xq21.1.
Variant type: single nucleotide variant.
Coding change: c.2815G>C on transcript NM_000489.6 (MANE Select); coding-DNA position 2815, G replaced by C.
Protein change: p.Val939Leu; replaces valine 939 with leucine.
Molecular consequence: missense variant.
Genome position (GRCh38, 1-based): chrX:77,682,441, C>G on the plus strand (G>C on the coding strand, the complement: ATRX is on the minus strand). VCF-style: chrX-77682441-C-G. GRCh37 (hg19) VCF-style: chrX-76937933-C-G.
Other names: c.2701G>C, p.Val901Leu (NM_138270.5); short protein forms V901L, V939L.
Identifiers: ClinVar variation 1005131 (VCV001005131.19), dbSNP rs149195735, ClinGen allele CA10458030.